The following is an entry in ClinVar:

ClinVar aggregate classification (germline): Uncertain significance. Review status: criteria provided, multiple submitters, no conflicts (2 of 4 stars). 3 submissions from 3 submitters: Uncertain significance (3). Last evaluated 2025-05-05.

Conditions:
Hereditary cancer-predisposing syndrome. Also called: Tumor predisposition; Neoplastic Syndromes, Hereditary; Hereditary Cancer Syndrome; Hereditary neoplastic syndrome. Identifiers: Orphanet 140162, MedGen C0027672, MeSH D009386, MONDO:0015356.

Submissions (3):

Ambry Genetics
Classification: Uncertain significance for Hereditary cancer-predisposing syndrome. Last evaluated: 2025-05-05. Review status: criteria provided, single submitter. Criteria: Ambry Variant Classification Scheme 2023. Collection method: clinical testing. Allele origin: germline.
Comment: The c.817_819delAAG variant (also known as p.K273del) is located in coding exon 2 of the HOXB13 gene. This variant results from an in-frame AAG deletion at nucleotide positions 817 to 819. This results in the in-frame deletion of a lysine at codon 273. This amino acid position is highly conserved in available vertebrate species. In addition, this alteration is predicted to be deleterious by in silico analysis (Choi Y et al. PLoS ONE. 2012; 7(10):e46688). Based on the available evidence, the clinical significance of this variant remains unclear.

GeneDx
Classification: Uncertain significance. Last evaluated: 2022-10-03. Review status: criteria provided, single submitter. Criteria: GeneDx Variant Classification Process June 2021. Collection method: clinical testing. Allele origin: germline. Affected: yes.
Comment: Not observed in large population cohorts (gnomAD); In-frame deletion of 1 amino acid in a non-repeat region; Has not been previously published as pathogenic or benign to our knowledge; This variant is associated with the following publications: (PMID: 8756292, 19389631)

Labcorp Genetics (formerly Invitae), Labcorp
Classification: Uncertain significance. Last evaluated: 2022-09-27. Review status: criteria provided, single submitter. Criteria: Invitae Variant Classification Sherloc (09022015). Collection method: clinical testing. Allele origin: germline.
Comment: This variant, c.817_819del, results in the deletion of 1 amino acid(s) of the HOXB13 protein (p.Lys273del), but otherwise preserves the integrity of the reading frame. ClinVar contains an entry for this variant (Variation ID: 1305649). This variant has not been reported in the literature in individuals affected with HOXB13-related conditions. This variant is not present in population databases (gnomAD no frequency). Algorithms developed to predict the effect of sequence changes on RNA splicing suggest that this variant may create or strengthen a splice site. In summary, the available evidence is currently insufficient to determine the role of this variant in disease. Therefore, it has been classified as a Variant of Uncertain Significance.

NM_006361.6(HOXB13):c.814AAG[1] (p.Lys273del)

Gene: HOXB13 (homeobox B13; minus strand). Cytogenetic location: 17q21.32.
Variant type: Microsatellite.
Coding change: c.814AAG[1] on transcript NM_006361.6 (MANE Select); one copy of the 3-base unit AAG starting at c.814; the reference has two copies in a row; one copy, 3 bases deleted.
Protein change: p.Lys273del; deletes lysine 273.
Molecular consequence: inframe deletion.
Genome position (GRCh38, 1-based): chr17:48,726,826-48,726,828, CTT deleted on the plus strand (AAG on the coding strand, the reverse complement: HOXB13 is on the minus strand); deleting any 3 consecutive bases within chr17:48,726,826-48,726,833 gives the same sequence; the position shown is the placement nearest the transcript's 3' end. VCF-style (leftmost placement, unchanged base first): chr17-48726825-CCTT-C. GRCh37 (hg19) VCF-style: chr17-46804187-CCTT-C.
Other names: c.817_819delAAG (NM_006361.5); short protein forms K273del.
Identifiers: ClinVar variation 1305649 (VCV001305649.13), dbSNP rs2143065320, ClinGen allele CA2580613156.